The following is an entry in ClinVar:

NM_005956.4(MTHFD1):c.2279+6T>C

Gene: MTHFD1 (methylenetetrahydrofolate dehydrogenase, cyclohydrolase and formyltetrahydrofolate synthetase 1; plus strand). Cytogenetic location: 14q23.3.
Variant type: single nucleotide variant.
Coding change: c.2279+6T>C on transcript NM_005956.4 (MANE Select); 6 bases into the intron after coding-DNA position 2279, T replaced by C.
Molecular consequence: intron variant.
Genome position (GRCh38, 1-based): chr14:64,448,323, T>C. VCF-style: chr14-64448323-T-C. GRCh37 (hg19) VCF-style: chr14-64915041-T-C.
Other names: c.2279+6T>C (NM_001364837.1).
Identifiers: ClinVar variation 1500194 (VCV001500194.5), dbSNP rs754650368, ClinGen allele CA486722937.
Genomic context (GRCh38, chr14:64,448,323, plus strand): 5'-TTGAAAATGCCAGAATGTTTGGAATTCCAGTAGTAGTGGCCGTGAATGCATTCAAGTAAG[T>C]GTAGAGTGTAAGCGAAAAGGATGAATGTGGAAAATCTCCTGGAGCTGATTGTACAGCACT-3'

ClinVar aggregate classification (germline): Uncertain significance (1 of 4 stars; one submission).

gnomAD v4.1: 3 of 1,595,232 alleles (0.00019%); highest among the groups gnomAD compares: Non-Finnish European, 0.00026%; no homozygotes.

Submission:

Labcorp Genetics (formerly Invitae), Labcorp
Classification: Uncertain significance. Last evaluated: 2022-07-11. Review status: criteria provided, single submitter. Criteria: Invitae Variant Classification Sherloc (09022015). Collection method: clinical testing. Allele origin: germline.
Comment: Variants that disrupt the consensus splice site are a relatively common cause of aberrant splicing (PMID: 17576681, 9536098). Algorithms developed to predict the effect of sequence changes on RNA splicing suggest that this variant may create or strengthen a splice site. ClinVar contains an entry for this variant (Variation ID: 1500194). This variant has not been reported in the literature in individuals affected with MTHFD1-related conditions. This variant is present in population databases (no rsID available, gnomAD 0.0009%). This sequence change falls in intron 23 of the MTHFD1 gene. It does not directly change the encoded amino acid sequence of the MTHFD1 protein. It affects a nucleotide within the consensus splice site. In summary, the available evidence is currently insufficient to determine the role of this variant in disease. Therefore, it has been classified as a Variant of Uncertain Significance.

Literature cited by the submitters: PubMed 17576681; PubMed 9536098.